The following is an entry in ClinVar:

ClinVar aggregate classification (germline): Uncertain significance. Review status: criteria provided, multiple submitters, no conflicts (2 of 4 stars). 2 submissions from 2 submitters: Uncertain significance (2). Last evaluated 2024-03-06.

Conditions:
Familial thoracic aortic aneurysm and aortic dissection (TAAD). Also called: Thoracic aortic aneurysms and dissections. Identifiers: Orphanet 91387, MedGen C4707243, MONDO:0019625.
Ehlers-Danlos syndrome, type 4 (EDSVASC). Also called: Ehlers-Danlos syndrome vascular type; Ehlers Danlos syndrome, ecchymotic type; Ehlers Danlos syndrome, arterial type; Ehlers Danlos syndrome, Sack-Barabas type; Ehlers-Danlos Syndrome Type IV. Identifiers: Orphanet 286, MedGen C0268338, MONDO:0017314, OMIM 130050.

Allele frequency attached by ClinVar (database versions not stated): gnomAD exomes below 0.00001; ExAC 0.00001.
gnomAD v4.1: 2 of 1,607,592 alleles (0.00012%); highest among the groups gnomAD compares: South Asian, 0.0011%; no homozygotes.

Submissions (2):

Color Diagnostics, LLC DBA Color Health
Classification: Uncertain significance for Familial thoracic aortic aneurysm and aortic dissection. Last evaluated: 2024-03-06. Review status: criteria provided, single submitter. Criteria: ACMG Guidelines, 2015. Collection method: clinical testing. Allele origin: germline.
Comment: This missense variant replaces proline with serine at codon 703 of the COL3A1 protein. Computational prediction suggests that this variant may not impact protein structure and function (internally defined REVEL score threshold <= 0.5, PMID: 27666373). To our knowledge, functional studies have not been reported for this variant. This variant has not been reported in individuals affected with cardiovascular disorders in the literature. This variant has been identified in 1/234888 chromosomes in the general population by the Genome Aggregation Database (gnomAD). The available evidence is insufficient to determine the role of this variant in disease conclusively. Therefore, this variant is classified as a Variant of Uncertain Significance.

Labcorp Genetics (formerly Invitae), Labcorp
Classification: Uncertain significance for Ehlers-Danlos syndrome, type 4. Last evaluated: 2023-09-04. Review status: criteria provided, single submitter. Criteria: Invitae Variant Classification Sherloc (09022015). Collection method: clinical testing. Allele origin: germline.
Comment: Advanced modeling of protein sequence and biophysical properties (such as structural, functional, and spatial information, amino acid conservation, physicochemical variation, residue mobility, and thermodynamic stability) performed at Invitae indicates that this missense variant is not expected to disrupt COL3A1 protein function. In summary, the available evidence is currently insufficient to determine the role of this variant in disease. Therefore, it has been classified as a Variant of Uncertain Significance. ClinVar contains an entry for this variant (Variation ID: 529310). This variant has not been reported in the literature in individuals affected with COL3A1-related conditions. This variant is present in population databases (rs780123051, gnomAD 0.001%). This sequence change replaces proline, which is neutral and non-polar, with serine, which is neutral and polar, at codon 703 of the COL3A1 protein (p.Pro703Ser).

NM_000090.4(COL3A1):c.2107C>T (p.Pro703Ser)

Gene: COL3A1 (collagen type III alpha 1 chain; plus strand). Cytogenetic location: 2q32.2.
Variant type: single nucleotide variant.
Coding change: c.2107C>T on transcript NM_000090.4 (MANE Select); coding-DNA position 2107, C replaced by T.
Protein change: p.Pro703Ser; replaces proline 703 with serine.
Molecular consequence: missense variant.
Genome position (GRCh38, 1-based): chr2:188,999,369, C>T. VCF-style: chr2-188999369-C-T. GRCh37 (hg19) VCF-style: chr2-189864095-C-T.
Other names: short protein forms P703S.
Identifiers: ClinVar variation 529310 (VCV000529310.10), dbSNP rs780123051, ClinGen allele CA074985.
Genomic context (GRCh38, chr2:188,999,369, plus strand): 5'-CGTGGACCTCCTGGATTGGCAGGGGCCCCAGGACTTAGAGGTGGAGCTGGTCCCCCTGGT[C>T]CCGAAGGAGGAAAGGTAACTCCACAGCATTCCATTCACCTAGGTTTAAAAAATGCATTTG-3'
Protein context (NP_000081.2, residues 693-713): GLRGGAGPPG[Pro703Ser]EGGKGAAGPP